The following is an entry in ClinVar:

ClinVar aggregate classification (germline): Conflicting classifications of pathogenicity. Review status: criteria provided, conflicting classifications (1 of 4 stars). 2 submissions from 2 submitters: Likely pathogenic (1); Uncertain significance (1). Last evaluated 2024-04-22.

Conditions:
Hereditary cancer-predisposing syndrome. Also called: Hereditary Cancer Syndrome; Hereditary neoplastic syndrome; Tumor predisposition; Neoplastic Syndromes, Hereditary. Identifiers: Orphanet 140162, MedGen C0027672, MeSH D009386, MONDO:0015356.
Familial melanoma. Also called: Hereditary melanoma; Hereditary cutaneous melanoma. Identifiers: Orphanet 618, MedGen C1512419, MONDO:0018961.

Submissions (2):

Labcorp Genetics (formerly Invitae), Labcorp
Classification: Uncertain significance for Familial melanoma. Last evaluated: 2024-04-22. Review status: criteria provided, single submitter. Criteria: Invitae Variant Classification Sherloc (09022015). Collection method: clinical testing. Allele origin: germline.
Comment: The CDKN2A gene encodes two different proteins, p16INK4a and p14ARF, which are translated from alternative transcripts with different open reading frames. Both transcripts have been analyzed. We report either the variant with the higher classification or default to the CDKN2A (p16INK4a) variant. This report therefore includes the details for the CDKN2A (p16INK4a) variant. This sequence change replaces alanine, which is neutral and non-polar, with proline, which is neutral and non-polar, at codon 68 of the CDKN2A (p16INK4a) protein (p.Ala68Pro). This variant is not present in population databases (gnomAD no frequency). This variant has not been reported in the literature in individuals affected with CDKN2A (p16INK4a)-related conditions. This variant is also known as c.245G>C (p.Arg82Pro) in the CDKN2A (p14ARF) transcript. ClinVar contains an entry for this variant (Variation ID: 1000204). An algorithm developed to predict the effect of missense changes on protein structure and function (PolyPhen-2) suggests that this variant is likely to be disruptive. This variant disrupts the p.Ala68 amino acid residue in CDKN2A (p16INK4a). Other variant(s) that disrupt this residue have been determined to be pathogenic (PMID: 9425228, 11518711, 18983535, 19260062, 20340136, 21462282, 25780468). This suggests that this residue is clinically significant, and that variants that disrupt this residue are likely to be disease-causing. In summary, the available evidence is currently insufficient to determine the role of this variant in disease. Therefore, it has been classified as a Variant of Uncertain Significance.

Ambry Genetics
Classification: Likely pathogenic for Hereditary cancer-predisposing syndrome. Last evaluated: 2022-11-23. Review status: criteria provided, single submitter. Criteria: Ambry Variant Classification Scheme 2023. Collection method: clinical testing. Allele origin: germline.
Comment: The p.A68P variant (also known as c.202G>C), located in coding exon 2 of the CDKN2A gene, results from a G to C substitution at nucleotide position 202. The alanine at codon 68 is replaced by proline, an amino acid with highly similar properties. This alteration has been observed in at least one individual with a personal and/or family history that is consistent with CDKN2A-related disease (Ambry internal data). While this exact alteration has not been reported in the literature, other alterations impacting the same codon (p.A68L and p.A68V) have been detected in individuals with melanoma and an individual with pancreatic cancer; however, only p.A68V showed segregation with disease in a melanoma kindred (FitzGerald MG et al. Proc. Natl. Acad. Sci. U.S.A., 1996 Aug;93:8541-5; Gerdes B et al. Pancreas, 2000 Nov;21:369-75; Soufir N et al. Hum. Mol. Genet., 1998 Feb;7:209-16). This amino acid residue lies within a structural hotspot where several other pathogenic mutations are found; and substitution with proline is likely to affect binding to CDK4 (Ambry internal data; Russo AA et al. Nature, 1998 Sep;395:237-43). This variant is considered to be rare based on population cohorts in the Genome Aggregation Database (gnomAD). This amino acid position is highly conserved in available vertebrate species. In addition, this alteration is predicted to be deleterious by in silico analysis. Based on the majority of available evidence to date, this variant is likely to be pathogenic.

Literature cited by the submitters: PubMed 9425228 (cited by Labcorp Genetics (formerly Invitae), Labcorp and Ambry Genetics); PubMed 11518711 (cited by Labcorp Genetics (formerly Invitae), Labcorp); PubMed 18983535 (cited by Labcorp Genetics (formerly Invitae), Labcorp); PubMed 19260062 (cited by Labcorp Genetics (formerly Invitae), Labcorp); PubMed 20340136 (cited by Labcorp Genetics (formerly Invitae), Labcorp); PubMed 21462282 (cited by Labcorp Genetics (formerly Invitae), Labcorp); PubMed 25780468 (cited by Labcorp Genetics (formerly Invitae), Labcorp); PubMed 11075991 (cited by Ambry Genetics); PubMed 8710906 (cited by Ambry Genetics); PubMed 9751050 (cited by Ambry Genetics).

NM_000077.5(CDKN2A):c.202G>C (p.Ala68Pro)

Gene: CDKN2A (cyclin dependent kinase inhibitor 2A; minus strand). Cytogenetic location: 9p21.3.
Variant type: single nucleotide variant.
Coding change: c.202G>C on transcript NM_000077.5; coding-DNA position 202, G replaced by C.
Protein change: p.Ala68Pro; replaces alanine 68 with proline.
Molecular consequence: missense variant (on NM_000077.6). On other transcripts: 3 prime UTR variant (1).
Genome position (GRCh38, 1-based): chr9:21,971,157, C>G on the plus strand (G>C on the coding strand, the complement: CDKN2A is on the minus strand). VCF-style: chr9-21971157-C-G. GRCh37 (hg19) VCF-style: chr9-21971156-C-G.
Other names: c.202G>C, p.Ala68Pro (NM_000077.6, NM_001195132.2); c.49G>C, p.Ala17Pro (NM_001363763.2); c.245G>C, p.Arg82Pro (NM_058195.4); c.*125G>C (NM_058197.5); short protein forms A17P, A68P, R82P.
Identifiers: ClinVar variation 1000204 (VCV001000204.11), dbSNP rs1819719137, ClinGen allele CA373086342.